The following is an entry in ClinVar:

NM_000262.3(NAGA):c.598-15C>T

Gene: NAGA (alpha-N-acetylgalactosaminidase; minus strand). Cytogenetic location: 22q13.2.
Variant type: single nucleotide variant.
Coding change: c.598-15C>T on transcript NM_000262.3 (MANE Select); 15 bases into the intron before coding-DNA position 598, C replaced by T.
Molecular consequence: intron variant.
Genome position (GRCh38, 1-based): chr22:42,065,914, G>A on the plus strand (C>T on the coding strand, the complement: NAGA is on the minus strand). VCF-style: chr22-42065914-G-A. GRCh37 (hg19) VCF-style: chr22-42461918-G-A.
Other names: c.598-15C>T (NM_001362850.1, NM_001362848.1).
Identifiers: ClinVar variation 198062 (VCV000198062.23), dbSNP rs2854827, ClinGen allele CA203210.

ClinVar aggregate classification (germline): Benign. Review status: criteria provided, multiple submitters, no conflicts (2 of 4 stars). 9 submissions from 7 submitters: Benign (8). 1 of the submissions does not count toward it. Last evaluated 2026-02-04.

Conditions:
Alpha-N-acetylgalactosaminidase deficiency type 1. Also called: SCHINDLER DISEASE, TYPE I; ALPHA-N-ACETYLGALACTOSAMINIDASE DEFICIENCY, TYPE I; NAGA DEFICIENCY, TYPE I; NEUROAXONAL DYSTROPHY, SCHINDLER TYPE. Identifiers: Orphanet 3137, Orphanet 79279, Orphanet 79281, MedGen C1836544, MONDO:0012221, OMIM 609241.
Alpha-N-acetylgalactosaminidase deficiency type 2. Also called: ALPHA-N-ACETYLGALACTOSAMINIDASE DEFICIENCY, TYPE II; NAGA DEFICIENCY, TYPE II; SCHINDLER DISEASE, TYPE II. Identifiers: Orphanet 3137, Orphanet 79280, MedGen C1836522, MONDO:0012222, OMIM 609242.

Allele frequency attached by ClinVar (database versions not stated): gnomAD exomes 0.15899 and 0.19114; 1000 Genomes Project 0.16813; ExAC 0.17138; 1000 Genomes Project 30x 0.17208; gnomAD 0.20658 and 0.21339; TOPMed 0.21243; ESP Exome Variant Server 0.23220.
gnomAD v4.1: 309,808 of 1,612,718 alleles (19%); highest among the groups gnomAD compares: African/African-American, 29%; 32,162 homozygotes.

Submissions (9):

Labcorp Genetics (formerly Invitae), Labcorp
Classification: Benign for Alpha-N-acetylgalactosaminidase deficiency type 1. Last evaluated: 2026-02-04. Review status: criteria provided, single submitter. Criteria: Invitae Variant Classification Sherloc (09022015). Collection method: clinical testing. Allele origin: germline.

Genome-Nilou Lab
Classification: Benign for Alpha-N-acetylgalactosaminidase deficiency type 2. Last evaluated: 2021-09-05. Review status: criteria provided, single submitter. Criteria: ACMG Guidelines, 2015. Collection method: clinical testing. Allele origin: germline. Affected: no.

Genome-Nilou Lab
Classification: Benign for Alpha-N-acetylgalactosaminidase deficiency type 1. Last evaluated: 2021-09-05. Review status: criteria provided, single submitter. Criteria: ACMG Guidelines, 2015. Collection method: clinical testing. Allele origin: germline. Affected: no.

GeneDx
Classification: Benign. Last evaluated: 2018-06-28. Review status: criteria provided, single submitter. Criteria: GeneDx Variant Classification Process June 2021. Collection method: clinical testing. Allele origin: germline. Affected: yes.

Illumina Laboratory Services, Illumina
Classification: Benign for Alpha-N-acetylgalactosaminidase deficiency type 1. Last evaluated: 2018-01-13. Review status: criteria provided, single submitter. Criteria: ICSL Variant Classification Criteria 13 December 2019. Collection method: clinical testing. Allele origin: germline.
Comment: This variant was observed in the ICSL laboratory as part of a predisposition screen in an ostensibly healthy population. It had not been previously curated by ICSL or reported in the Human Gene Mutation Database (HGMD: prior to June 1st, 2018), and was therefore a candidate for classification through an automated scoring system. Utilizing variant allele frequency, disease prevalence and penetrance estimates, and inheritance mode, an automated score was calculated to assess if this variant is too frequent to cause the disease. Based on the score and internal cut-off values, a variant classified as benign is not then subjected to further curation. The score for this variant resulted in a classification of benign for this disease.

Illumina Laboratory Services, Illumina
Classification: Benign for Alpha-N-acetylgalactosaminidase deficiency type 2. Last evaluated: 2018-01-13. Review status: criteria provided, single submitter. Criteria: ICSL Variant Classification Criteria 13 December 2019. Collection method: clinical testing. Allele origin: germline.
Comment: the same text as in the submission from Illumina Laboratory Services, Illumina above.

Eurofins Ntd Llc (ga)
Classification: Benign. Last evaluated: 2015-01-27. Review status: criteria provided, single submitter. Criteria: EGL Classification Definitions 2015. Collection method: clinical testing. Allele origin: germline. Observed: 1 variant allele, 1 heterozygote.

Breakthrough Genomics
Classification: Benign. Review status: criteria provided, single submitter. Criteria: ACMG Guidelines, 2015. Collection method: not provided. Allele origin: germline. Inheritance: Autosomal recessive inheritance. Affected: yes.

Mayo Clinic Laboratories, Mayo Clinic
Classification: Benign. Last evaluated: 2015-10-20. Review status: no assertion criteria provided. Collection method: clinical testing. Allele origin: unknown. Not counted in ClinVar's aggregate classification.